The following is an entry in ClinVar:

ClinVar aggregate classification (germline): Benign. Review status: criteria provided, single submitter (1 of 4 stars). 2 submissions from 2 submitters: Benign (1). 1 of the submissions does not count toward it. Last evaluated 2019-12-31.

Conditions:
KCNK9-related disorder. Also called: KCNK9-related condition.

Allele frequency attached by ClinVar (database versions not stated): gnomAD exomes 0.00037 and 0.00105; ExAC 0.00137; gnomAD 0.00393 and 0.00420; TOPMed 0.00432; 1000 Genomes Project 0.00439; ESP Exome Variant Server 0.00461; 1000 Genomes Project 30x 0.00468.
gnomAD v4.1: 1,135 of 1,613,808 alleles (0.07%); highest among the groups gnomAD compares: African/African-American, 1.4%; 9 homozygotes.

Submissions (2):

Labcorp Genetics (formerly Invitae), Labcorp
Classification: Benign. Last evaluated: 2019-12-31. Review status: criteria provided, single submitter. Criteria: Invitae Variant Classification Sherloc (09022015). Collection method: clinical testing. Allele origin: germline.

PreventionGenetics, part of Exact Sciences
Classification: Benign for KCNK9-related condition. Last evaluated: 2019-04-11. Review status: no assertion criteria provided. Collection method: clinical testing. Allele origin: germline. Not counted in ClinVar's aggregate classification.
Comment: This variant is classified as benign based on ACMG/AMP sequence variant interpretation guidelines (Richards et al. 2015 PMID: 25741868, with internal and published modifications).

NM_001282534.2(KCNK9):c.284-10C>G

Gene: KCNK9 (potassium two pore domain channel subfamily K member 9; minus strand). Cytogenetic location: 8q24.3.
Variant type: single nucleotide variant.
Coding change: c.284-10C>G on transcript NM_001282534.2 (MANE Select); 10 bases into the intron before coding-DNA position 284, C replaced by G.
Molecular consequence: intron variant.
Genome position (GRCh38, 1-based): chr8:139,619,109, G>C on the plus strand (C>G on the coding strand, the complement: KCNK9 is on the minus strand). VCF-style: chr8-139619109-G-C. GRCh37 (hg19) VCF-style: chr8-140631352-G-C.
Identifiers: ClinVar variation 709458 (VCV000709458.6), dbSNP rs79307098, ClinGen allele CA4892635.